The following is an entry in ClinVar:

ClinVar aggregate classification (germline): Benign. Review status: criteria provided, multiple submitters, no conflicts (2 of 4 stars). 3 submissions from 3 submitters: Benign (2). 1 of the submissions does not count toward it. Last evaluated 2018-04-17.

Conditions:
HELQ-related disorder. Also called: HELQ-related condition.

Allele frequency attached by ClinVar (database versions not stated): 1000 Genomes Project 30x 0.00094; TOPMed 0.00200; 1000 Genomes Project 0.00120; gnomAD 0.00363 and 0.00383; ExAC 0.00380; gnomAD exomes 0.00421 and 0.00400; ESP Exome Variant Server 0.00208.
gnomAD v4.1: 6,697 of 1,614,066 alleles (0.41%); highest among the groups gnomAD compares: Non-Finnish European, 0.43%; 31 homozygotes.

Submissions (3):

Labcorp Genetics (formerly Invitae), Labcorp
Classification: Benign. Last evaluated: 2018-04-17. Review status: criteria provided, single submitter. Criteria: Invitae Variant Classification Sherloc (09022015). Collection method: clinical testing. Allele origin: germline.

Breakthrough Genomics
Classification: Benign. Review status: criteria provided, single submitter. Criteria: ACMG Guidelines, 2015. Collection method: not provided. Allele origin: germline. Inheritance: Unknown mechanism. Affected: yes.

PreventionGenetics, part of Exact Sciences
Classification: Benign for HELQ-related condition. Last evaluated: 2019-06-19. Review status: no assertion criteria provided. Collection method: clinical testing. Allele origin: germline. Not counted in ClinVar's aggregate classification.
Comment: This variant is classified as benign based on ACMG/AMP sequence variant interpretation guidelines (Richards et al. 2015 PMID: 25741868, with internal and published modifications).

NM_133636.5(HELQ):c.106C>T (p.Pro36Ser)

Genes: HELQ (helicase, POLQ like; minus strand), LOC112997542 (Sharpr-MPRA regulatory region 5990; plus strand). Cytogenetic location: 4q21.23.
Variant type: single nucleotide variant.
Coding change: c.106C>T on transcript NM_133636.5 (MANE Select); coding-DNA position 106, C replaced by T.
Protein change: p.Pro36Ser; replaces proline 36 with serine.
Molecular consequence: missense variant. On other transcripts: 5 prime UTR variant (2), non-coding transcript variant (1).
Genome position (GRCh38, 1-based): chr4:83,455,588, G>A on the plus strand (C>T on the coding strand, the complement: HELQ is on the minus strand). VCF-style: chr4-83455588-G-A. GRCh37 (hg19) VCF-style: chr4-84376741-G-A.
Other names: c.106C>T, p.Pro36Ser (NM_001297755.2, NM_001297758.2, NM_001297759.2); c.-1399C>T (NM_001297756.2); c.-1429C>T (NM_001297757.2); short protein forms P36S.
Identifiers: ClinVar variation 780111 (VCV000780111.6), dbSNP rs138939487, ClinGen allele CA2990081.
Genomic context (GRCh38, chr4:83,455,588, plus strand): 5'-CGGTTTTCCGCCTCCTGTTCTCAGCCACCATTTCCTCCTCCTCTTTCCCCTCATCTCCGG[G>A]CACGAGCTCGGCCGCGGTGGGAGCGCCAAAAATACACCCCAAGCTTGGACGGTTCCTTTT-3'
Protein context (NP_598375.3, residues 26-46): FGAPTAAELV[Pro36Ser]GDEGKEEEEM